The following is an entry in ClinVar:

NM_001034853.2(RPGR):c.587C>G (p.Ser196Cys)

Gene: RPGR (retinitis pigmentosa GTPase regulator; minus strand). Cytogenetic location: Xp11.4.
Variant type: single nucleotide variant.
Coding change: c.587C>G on transcript NM_001034853.2 (MANE Select); coding-DNA position 587, C replaced by G.
Protein change: p.Ser196Cys; replaces serine 196 with cysteine.
Molecular consequence: missense variant. On other transcripts: non-coding transcript variant (5).
Genome position (GRCh38, 1-based): chrX:38,317,348, G>C on the plus strand (C>G on the coding strand, the complement: RPGR is on the minus strand). VCF-style: chrX-38317348-G-C. GRCh37 (hg19) VCF-style: chrX-38176601-G-C.
Other names: c.587C>G, p.Ser196Cys (NM_000328.3, NM_001367245.1, NM_001367246.1 and 3 more transcripts); c.617C>G, p.Ser206Cys (NM_001367248.1); c.584C>G, p.Ser195Cys (NM_001367249.1); short protein forms S195C, S196C, S206C.
Identifiers: ClinVar variation 2103631 (VCV002103631.4), dbSNP rs2519888780, ClinGen allele CA412744511.

ClinVar aggregate classification (germline): Uncertain significance (1 of 4 stars; one submission).

Conditions:
Primary ciliary dyskinesia. Also called: Ciliary dyskinesia. Identifiers: Orphanet 244, MedGen C0008780, MONDO:0016575, HP:0012265.

Submission:

Labcorp Genetics (formerly Invitae), Labcorp
Classification: Uncertain significance for Primary ciliary dyskinesia. Last evaluated: 2025-12-21. Review status: criteria provided, single submitter. Criteria: Invitae Variant Classification Sherloc (09022015). Collection method: clinical testing. Allele origin: germline.
Comment: This sequence change replaces serine, which is neutral and polar, with cysteine, which is neutral and slightly polar, at codon 196 of the RPGR protein (p.Ser196Cys). This variant is not present in population databases (gnomAD no frequency). This variant has not been reported in the literature in individuals affected with RPGR-related conditions. ClinVar contains an entry for this variant (Variation ID: 2103631). Invitae Evidence Modeling of protein sequence and biophysical properties (such as structural, functional, and spatial information, amino acid conservation, physicochemical variation, residue mobility, and thermodynamic stability) indicates that this missense variant is expected to disrupt RPGR protein function with a positive predictive value of 80%. In summary, the available evidence is currently insufficient to determine the role of this variant in disease. Therefore, it has been classified as a Variant of Uncertain Significance.